The following is an entry in ClinVar:

NM_032638.5(GATA2):c.304A>G (p.Lys102Glu)

Gene: GATA2 (GATA binding protein 2; minus strand). Cytogenetic location: 3q21.3.
Variant type: single nucleotide variant.
Coding change: c.304A>G on transcript NM_032638.5 (MANE Select); coding-DNA position 304, A replaced by G.
Protein change: p.Lys102Glu; replaces lysine 102 with glutamic acid.
Molecular consequence: missense variant.
Genome position (GRCh38, 1-based): chr3:128,486,294, T>C on the plus strand (A>G on the coding strand, the complement: GATA2 is on the minus strand). VCF-style: chr3-128486294-T-C. GRCh37 (hg19) VCF-style: chr3-128205137-T-C.
Other names: c.304A>G, p.Lys102Glu (NM_001145661.2, NM_001145662.1); short protein forms K102E.
Identifiers: ClinVar variation 1446345 (VCV001446345.6), dbSNP rs2107672871, ClinGen allele CA354407455.

ClinVar aggregate classification (germline): Uncertain significance (1 of 4 stars; one submission).

Conditions:
Deafness-lymphedema-leukemia syndrome. Also called: Emberger syndrome; Lymphedema, primary, with myelodysplasia. Identifiers: Orphanet 3226, MedGen C3279664, MONDO:0013540, OMIM 614038.
Monocytopenia with susceptibility to infections. Also called: GATA2 DEFICIENCY; MONOCYTOPENIA AND MYCOBACTERIAL INFECTION SYNDROME; MONOCYTOPENIA WITH SUSCEPTIBILITY TO MYCOBACTERIAL, FUNGAL, AND PAPILLOMAVIRUS INFECTIONS AND MYELODYSPLASIA; COMBINED IMMUNODEFICIENCY WITH SUSCEPTIBILITY TO MYCOBACTERIAL, VIRAL, AND FUNGAL INFECTIONS; IMMUNODEFICIENCY 21; Dendritic cell, monocyte, B lymphocyte, and natural killer lymphocyte deficiency. Identifiers: Orphanet 228423, MedGen C3280030, MONDO:0013607, OMIM 614172.

Submission:

Labcorp Genetics (formerly Invitae), Labcorp
Classification: Uncertain significance for Monocytopenia with susceptibility to infections; Deafness-lymphedema-leukemia syndrome. Last evaluated: 2021-11-05. Review status: criteria provided, single submitter. Criteria: Invitae Variant Classification Sherloc (09022015). Collection method: clinical testing. Allele origin: germline.
Comment: This sequence change replaces lysine, which is basic and polar, with glutamic acid, which is acidic and polar, at codon 102 of the GATA2 protein (p.Lys102Glu). This variant is not present in population databases (gnomAD no frequency). This variant has not been reported in the literature in individuals affected with GATA2-related conditions. Algorithms developed to predict the effect of missense changes on protein structure and function are either unavailable or do not agree on the potential impact of this missense change (SIFT: "Tolerated"; PolyPhen-2: "Probably Damaging"; Align-GVGD: "Class C0"). In summary, the available evidence is currently insufficient to determine the role of this variant in disease. Therefore, it has been classified as a Variant of Uncertain Significance.